The following is an entry in ClinVar:

ClinVar aggregate classification (germline): Pathogenic. Review status: reviewed by expert panel (3 of 4 stars). 6 submissions from 6 submitters: Pathogenic (1). 5 of the submissions do not count toward it. Last evaluated 2017-12-15.

Conditions:
Pancreatic cancer, susceptibility to, 2. Identifiers: Orphanet 1333, MedGen C3150546, MONDO:0013235, OMIM 613347.
Glioma susceptibility 3 (GLM3). Also called: Glioblastoma 3. Identifiers: Orphanet 182067, Orphanet 360, MedGen C2751641, MONDO:0013093, OMIM 613029.
Familial prostate cancer. Also called: Hereditary Prostate Cancer. Identifiers: MedGen C2931456, MONDO:0700275, OMIM 176807.
Breast-ovarian cancer, familial, susceptibility to, 2 (BROVCA2). Also called: BRCA2 Hereditary Breast and Ovarian Cancer. Identifiers: Orphanet 145, MedGen C2675520, MONDO:0012933, OMIM 612555. Disease mechanism: loss of function.
Fanconi anemia complementation group D1. Also called: BRCA2-Related Fanconi Anemia. Identifiers: Orphanet 319462, MedGen C1838457, MONDO:0011584, OMIM 605724.
Medulloblastoma (MDB). Also called: Medulloblastoma, somatic; MEDULLOBLASTOMA PREDISPOSITION SYNDROME. Identifiers: Orphanet 616, MedGen C0025149, MeSH D008527, MONDO:0007959, OMIM 155255, HP:0002885.
Wilms tumor 1 (WT1). Also called: Wilms tumor, somatic. Identifiers: Orphanet 654, MedGen CN033288, MONDO:0008679, OMIM 194070.
Familial cancer of breast. Also called: BREAST CANCER, FAMILIAL; hereditary breast carcinoma; Hereditary breast cancer. Identifiers: Orphanet 227535, MedGen C0346153, MONDO:0016419, OMIM 114480. Disease mechanism: loss of function.
Hereditary cancer-predisposing syndrome. Also called: Neoplastic Syndromes, Hereditary; Tumor predisposition; Hereditary Cancer Syndrome; Hereditary neoplastic syndrome. Identifiers: Orphanet 140162, MedGen C0027672, MeSH D009386, MONDO:0015356.
Hereditary breast ovarian cancer syndrome. Also called: Breast and ovarian cancer; Hereditary breast and ovarian cancer; Hereditary breast and ovarian cancer syndrome (HBOC); Hereditary breast and ovarian cancer syndrome; BRCA1- and BRCA2-Associated Hereditary Breast and Ovarian Cancer; Hereditary breast and/or ovarian cancer syndrome. Identifiers: Orphanet 145, MedGen C0677776, MeSH D061325, MONDO:0003582. Disease mechanism: loss of function.

Submissions (6):

Evidence-based Network for the Interpretation of Germline Mutant Alleles (ENIGMA)
Classification: Pathogenic for Breast-ovarian cancer, familial, susceptibility to, 2. Last evaluated: 2017-12-15. Review status: reviewed by expert panel. Criteria: ENIGMA BRCA1/2 Classification Criteria (2017-06-29). Collection method: curation. Allele origin: germline. Study: ENIGMA.
Comment: Variant allele predicted to encode a truncated non-functional protein.

Ambry Genetics
Classification: Pathogenic for Hereditary cancer-predisposing syndrome. Last evaluated: 2025-09-30. Review status: criteria provided, single submitter. Criteria: Ambry Variant Classification Scheme 2023. Collection method: clinical testing. Allele origin: germline. Not counted in ClinVar's aggregate classification.
Comment: The c.8528delA pathogenic mutation, located in coding exon 19 of the BRCA2 gene, results from a deletion of one nucleotide at nucleotide position 8528, causing a translational frameshift with a predicted alternate stop codon (p.N2843Mfs*20). This variant is considered to be rare based on population cohorts in the Genome Aggregation Database (gnomAD). This alteration is expected to result in loss of function by premature protein truncation or nonsense-mediated mRNA decay. As such, this alteration is interpreted as a disease-causing mutation.

Labcorp Genetics (formerly Invitae), Labcorp
Classification: Pathogenic for Hereditary breast ovarian cancer syndrome. Last evaluated: 2024-11-06. Review status: criteria provided, single submitter. Criteria: Invitae Variant Classification Sherloc (09022015). Collection method: clinical testing. Allele origin: germline. Not counted in ClinVar's aggregate classification.
Comment: This sequence change creates a premature translational stop signal (p.Asn2843Metfs*20) in the BRCA2 gene. It is expected to result in an absent or disrupted protein product. Loss-of-function variants in BRCA2 are known to be pathogenic (PMID: 20104584). This variant is not present in population databases (gnomAD no frequency). This premature translational stop signal has been observed in individual(s) with breast cancer (PMID: 12673274). This variant is also known as 8756delA. ClinVar contains an entry for this variant (Variation ID: 52613). For these reasons, this variant has been classified as Pathogenic.

Women's Health and Genetics/Laboratory Corporation of America, LabCorp
Classification: Pathogenic for Hereditary breast ovarian cancer syndrome. Last evaluated: 2024-10-08. Review status: criteria provided, single submitter. Criteria: LabCorp Variant Classification Summary - May 2015. Collection method: clinical testing. Allele origin: germline. Not counted in ClinVar's aggregate classification.
Comment: Variant summary: BRCA2 c.8528delA (p.Asn2843MetfsX20) results in a premature termination codon, predicted to cause a truncation of the encoded protein or absence of the protein due to nonsense mediated decay, which are commonly known mechanisms for disease. The variant was absent in 251166 control chromosomes. c.8528delA has been reported in the literature in individuals affected with Hereditary Breast And Ovarian Cancer Syndrome (e.g. Marroni_2004). To our knowledge, no experimental evidence demonstrating an impact on protein function has been reported. The following publication have been ascertained in the context of this evaluation (PMID: 15340362). ClinVar contains an entry for this variant (Variation ID: 52613). Based on the evidence outlined above, the variant was classified as pathogenic.

Fulgent Genetics
Classification: Pathogenic for Familial cancer of breast; Medulloblastoma; Familial prostate cancer; Wilms tumor 1; Fanconi anemia complementation group D1; Breast-ovarian cancer, familial, susceptibility to, 2; Glioma susceptibility 3; Pancreatic cancer, susceptibility to, 2. Last evaluated: 2024-06-12. Review status: criteria provided, single submitter. Criteria: ACMG Guidelines, 2015. Collection method: clinical testing. Allele origin: germline. Not counted in ClinVar's aggregate classification.

ClinVar Staff, National Center for Biotechnology Information (NCBI)
No classification provided. Condition: Familial cancer of breast. Review status: no classification provided. Collection method: literature only. Allele origin: germline. Affected: yes. Not counted in ClinVar's aggregate classification.

Literature cited by the submitters: PubMed 20104584 (cited by Labcorp Genetics (formerly Invitae), Labcorp); PubMed 12673274 (cited by Labcorp Genetics (formerly Invitae), Labcorp and ClinVar Staff, National Center for Biotechnology Information (NCBI)); PubMed 15340362 (cited by Women's Health and Genetics/Laboratory Corporation of America, LabCorp).

NM_000059.4(BRCA2):c.8528del (p.Asn2843fs)

Gene: BRCA2 (BRCA2 DNA repair associated; plus strand). Cytogenetic location: 13q13.1.
Variant type: Deletion.
Coding change: c.8528del on transcript NM_000059.4 (MANE Select); coding-DNA position 8528, one base deleted (A; older notation c.8528delA).
Protein change: p.Asn2843fs; shifts the reading frame from asparagine 2843.
Molecular consequence: frameshift variant.
Genome position (GRCh38, 1-based): chr13:32,370,996, A deleted; the last of 2 consecutive A bases (chr13:32,370,995-32,370,996); deleting either gives the same sequence. VCF-style (leftmost placement, unchanged base first): chr13-32370994-CA-C. GRCh37 (hg19) VCF-style: chr13-32945131-CA-C.
Other names: c.8528del (NM_000059.3); c.8528delA (NM_000059.3); short protein forms N2843fs.
Identifiers: ClinVar variation 52613 (VCV000052613.8), dbSNP rs397507989, ClinGen allele CA025695.